The following is an entry in ClinVar:

ClinVar aggregate classification (germline): Likely benign (1 of 4 stars; one submission).

Allele frequency attached by ClinVar (database versions not stated): 1000 Genomes Project 30x 0.00312; gnomAD 0.00828 and 0.00860; TOPMed 0.00838; gnomAD exomes 0.01106.
gnomAD v4.1: 9,388 of 882,238 alleles (1.1%); highest among the groups gnomAD compares: Non-Finnish European, 1.4%; 74 homozygotes.

Submission:

GeneDx
Classification: Likely benign. Last evaluated: 2018-06-16. Review status: criteria provided, single submitter. Criteria: GeneDx Variant Classification (06012015). Collection method: clinical testing. Allele origin: germline. Affected: yes.
Comment: This variant is considered likely benign or benign based on one or more of the following criteria: it is a conservative change, it occurs at a poorly conserved position in the protein, it is predicted to be benign by multiple in silico algorithms, and/or has population frequency not consistent with disease.

NM_000426.4(LAMA2):c.8357+117T>C

Genes: LAMA2 (laminin subunit alpha 2; plus strand), LOC126859784 (CDK7 strongly-dependent group 2 enhancer GRCh37_chr6:129822854-129824053; plus strand). Cytogenetic location: 6q22.33.
Variant type: single nucleotide variant.
Coding change: c.8357+117T>C on transcript NM_000426.4 (MANE Select); 117 bases into the intron after coding-DNA position 8357, T replaced by C.
Molecular consequence: intron variant.
Genome position (GRCh38, 1-based): chr6:129,502,888, T>C. VCF-style: chr6-129502888-T-C. GRCh37 (hg19) VCF-style: chr6-129824033-T-C.
Other names: c.8345+117T>C (NM_001079823.2).
Identifiers: ClinVar variation 677668 (VCV000677668.1), dbSNP rs780010361, ClinGen allele CA146923728.